The following is an entry in ClinVar:

ClinVar aggregate classification (germline): Pathogenic/Likely pathogenic. Review status: criteria provided, multiple submitters, no conflicts (2 of 4 stars). 3 submissions from 2 submitters: Pathogenic (2); Likely pathogenic (1). Last evaluated 2025-10-15.

Conditions:
Spermatogenic failure 18. Identifiers: MedGen C4539783, MONDO:0054615, OMIM 617576.
Ciliary dyskinesia, primary, 37 (CILD37). Also called: CILIARY DYSKINESIA, PRIMARY, 37, WITH OR WITHOUT SITUS INVERSUS. Identifiers: MedGen C4539798, MONDO:0033204, OMIM 617577.
Primary ciliary dyskinesia. Also called: Ciliary dyskinesia. Identifiers: Orphanet 244, MedGen C0008780, MONDO:0016575, HP:0012265.

Allele frequency attached by ClinVar (database versions not stated): gnomAD exomes 0.00002 and 0.00008; gnomAD 0.00003; ExAC 0.00004; TOPMed 0.00005; ESP Exome Variant Server 0.00017.

Submissions (3):

Labcorp Genetics (formerly Invitae), Labcorp
Classification: Pathogenic for Ciliary dyskinesia, primary, 37; Spermatogenic failure 18. Last evaluated: 2025-10-15. Review status: criteria provided, single submitter. Criteria: Invitae Variant Classification Sherloc (09022015). Collection method: clinical testing. Allele origin: germline.
Comment: This sequence change creates a premature translational stop signal (p.Ala4048Aspfs*6) in the DNAH1 gene. It is expected to result in an absent or disrupted protein product. Loss-of-function variants in DNAH1 are known to be pathogenic (PMID: 27573432, 27798045). This variant is present in population databases (rs746049858, gnomAD 0.006%). This variant has not been reported in the literature in individuals affected with DNAH1-related conditions. ClinVar contains an entry for this variant (Variation ID: 478373). For these reasons, this variant has been classified as Pathogenic.

Department of Pathology and Laboratory Medicine, Sinai Health System
Classification: Likely pathogenic for Primary ciliary dyskinesia. Last evaluated: 2023-09-20. Review status: criteria provided, single submitter. Criteria: ACMG Guidelines, 2015. Collection method: research. Allele origin: germline.

Labcorp Genetics (formerly Invitae), Labcorp
Classification: Pathogenic for Spermatogenic failure 18. Last evaluated: 2017-06-19. Review status: criteria provided, single submitter. Criteria: Invitae Variant Classification Sherloc (09022015). Collection method: clinical testing. Allele origin: germline.
Comment: This sequence change creates a premature translational stop signal (p.Ala4048Aspfs*6) in the DNAH1 gene. It is expected to result in an absent or disrupted protein product. This variant is present in population databases (rs746049858, ExAC 0.007%). This variant has not been reported in the literature in individuals with a DNAH1-related disease. Loss-of-function variants in DNAH1 are known to be pathogenic (PMID: 27573432, 27798045). For these reasons, this variant has been classified as Pathogenic.

Literature cited by the submitters: PubMed 27573432 (cited by Labcorp Genetics (formerly Invitae), Labcorp); PubMed 27798045 (cited by Labcorp Genetics (formerly Invitae), Labcorp).

NM_015512.5(DNAH1):c.12143del (p.Ala4048fs)

Gene: DNAH1 (dynein axonemal heavy chain 1; plus strand). Cytogenetic location: 3p21.1.
Variant type: Deletion.
Coding change: c.12143del on transcript NM_015512.5 (MANE Select); coding-DNA position 12143, one base deleted (C; older notation c.12143delC).
Protein change: p.Ala4048fs; shifts the reading frame from alanine 4048.
Molecular consequence: frameshift variant.
Genome position (GRCh38, 1-based): chr3:52,398,903, C deleted. VCF-style (leftmost placement, unchanged base first): chr3-52398902-GC-G. GRCh37 (hg19) VCF-style: chr3-52432918-GC-G.
Other names: short protein forms A4048fs.
Identifiers: ClinVar variation 478373 (VCV000478373.7), dbSNP rs746049858, ClinGen allele CA2436419.